The following is an entry in ClinVar:

NM_001139.3(ALOX12B):c.214G>A (p.Glu72Lys)

Gene: ALOX12B (arachidonate 12-lipoxygenase, 12R type; minus strand). Cytogenetic location: 17p13.1.
Variant type: single nucleotide variant.
Coding change: c.214G>A on transcript NM_001139.3 (MANE Select); coding-DNA position 214, G replaced by A.
Protein change: p.Glu72Lys; replaces glutamic acid 72 with lysine.
Molecular consequence: missense variant.
Genome position (GRCh38, 1-based): chr17:8,086,154, C>T on the plus strand (G>A on the coding strand, the complement: ALOX12B is on the minus strand). VCF-style: chr17-8086154-C-T. GRCh37 (hg19) VCF-style: chr17-7989472-C-T.
Other names: short protein forms E72K.
Identifiers: ClinVar variation 2574891 (VCV002574891.1), dbSNP rs527442532, ClinGen allele CA8367731.

ClinVar aggregate classification (germline): Uncertain significance (1 of 4 stars; one submission).

Allele frequency attached by ClinVar (database versions not stated): gnomAD 0.00001; gnomAD exomes 0.00001; ExAC 0.00002; TOPMed 0.00006; 1000 Genomes Project 30x 0.00016; 1000 Genomes Project 0.00020.
gnomAD v4.1: 11 of 1,614,160 alleles (0.00068%); highest among the groups gnomAD compares: Admixed American, 0.015%; no homozygotes.

Submission:

GeneDx
Classification: Uncertain significance. Last evaluated: 2023-02-03. Review status: criteria provided, single submitter. Criteria: GeneDx Variant Classification Process June 2021. Collection method: clinical testing. Allele origin: germline. Affected: yes.
Comment: Has not been previously published as pathogenic or benign to our knowledge; In silico analysis supports that this missense variant does not alter protein structure/function